The following is an entry in ClinVar:

ClinVar aggregate classification (germline): Pathogenic (1 of 4 stars; one submission).

Conditions:
Hereditary hyperinsulinism.

gnomAD v4.1: 1 of 1,610,632 alleles (0.000062%); highest among the groups gnomAD compares: Non-Finnish European, 0.000085%; no homozygotes.

Submission:

Natera, Inc.
Classification: Pathogenic for Hereditary hyperinsulinism. Last evaluated: 2025-07-14. Review status: criteria provided, single submitter. Criteria: Natera Variant Classification Schema (03/2026). Collection method: clinical testing. Allele origin: germline.
Comment: The c.2921-2A>G variant in ABCC8 is a canonical splice acceptor site variant predicted to affect pre-mRNA splicing, which may result in an abnormal transcript and altered protein product. This variant is expected to result in nonsense mediated decay, truncation, or a dysfunctional protein product. This variant is rare in the general population with a frequency below the threshold expected for the associated phenotype(s). This variant has been observed in one or more individuals affected with the associated recessive disease, as either homozygous or compound heterozygous with a second variant (PMID: 20685672). Given the available evidence, this variant is classified as Pathogenic.

Literature cited by the submitters: PubMed 20685672.

NM_000352.6(ABCC8):c.2921-2A>G

Gene: ABCC8 (ATP binding cassette subfamily C member 8; minus strand). Cytogenetic location: 11p15.1.
Variant type: single nucleotide variant.
Coding change: c.2921-2A>G on transcript NM_000352.6 (MANE Select); the canonical splice acceptor site of the intron before coding-DNA position 2921, A replaced by G.
Molecular consequence: splice acceptor variant. On other transcripts: non-coding transcript variant (1).
Genome position (GRCh38, 1-based): chr11:17,407,131, T>C on the plus strand (A>G on the coding strand, the complement: ABCC8 is on the minus strand). VCF-style: chr11-17407131-T-C. GRCh37 (hg19) VCF-style: chr11-17428678-T-C.
Other names: c.2918-2A>G (NM_001351297.2); c.2921-2A>G (NM_001351296.2); c.2987-2A>G (NM_001351295.2); c.2924-2A>G (NM_001287174.3).
Identifiers: ClinVar variation 4818247 (VCV004818247.1).
Genomic context (GRCh38, chr11:17,407,131, plus strand): 5'-AGCACGCTGGTGCAGCATGGACGACAGGTTGTCATCCTCCTCGCTCTCAGCTGCCTCCTC[T>C]GCAGGCCGCAAGAACCCACTCTGTGGCTACACATTTCCATCCCTCTGAGGGTGAATCAGG-3'